The following is an entry in ClinVar:

NM_001243133.2(NLRP3):c.779_780delinsCG (p.Arg260Pro)

Gene: NLRP3 (NLR family pyrin domain containing 3; plus strand). Cytogenetic location: 1q44.
Variant type: Indel.
Coding change: c.779_780delinsCG on transcript NM_001243133.2 (MANE Select); coding-DNA positions 779 to 780, GA replaced by CG.
Protein change: p.Arg260Pro; replaces arginine 260 with proline.
Molecular consequence: missense variant.
Genome position (GRCh38, 1-based): chr1:247,424,228-247,424,229, GA replaced by CG. VCF-style: chr1-247424228-GA-CG. GRCh37 (hg19) VCF-style: chr1-247587530-GA-CG.
Other names: c.779_780delinsCG, p.Arg260Pro (NM_001079821.3, NM_001127461.3, NM_001127462.3 and 1 more transcripts); c.785_786delinsCG, p.Arg262Pro (NM_004895.5); short protein forms R260P, R262P.
Identifiers: ClinVar variation 2029953 (VCV002029953.1), dbSNP rs2527260044, ClinGen allele CA2580063583.

ClinVar aggregate classification (germline): Pathogenic (1 of 4 stars; one submission).

Conditions:
Cryopyrin associated periodic syndrome (CAPS). Identifiers: Orphanet 208650, MedGen C2316212, MONDO:0016168.

Submission:

Labcorp Genetics (formerly Invitae), Labcorp
Classification: Pathogenic for Cryopyrin associated periodic syndrome. Last evaluated: 2022-09-21. Review status: criteria provided, single submitter. Criteria: Invitae Variant Classification Sherloc (09022015). Collection method: clinical testing. Allele origin: germline.
Comment: This sequence change replaces arginine, which is basic and polar, with proline, which is neutral and non-polar, at codon 262 of the NLRP3 protein (p.Arg262Pro). Information on the frequency of this variant in the gnomAD database is not available, as this variant may be reported differently in the database. This missense change has been observed in individual(s) with clinical features of cryopyrin-associated periodic syndrome (PMID: 14630794, 22566169, 28916543). In at least one individual the variant was observed to be de novo. This variant is also known as R260P. ClinVar contains an entry for this variant (Variation ID: 97969). Algorithms developed to predict the effect of variants on protein structure and function are not available or were not evaluated for this variant. Experimental studies have shown that this missense change affects NLRP3 function (PMID: 28916543). This variant disrupts the p.Arg262 amino acid residue in NLRP3. Other variant(s) that disrupt this residue have been determined to be pathogenic (PMID: 11992256, 20472245). This suggests that this residue is clinically significant, and that variants that disrupt this residue are likely to be disease-causing. For these reasons, this variant has been classified as Pathogenic.

Literature cited by the submitters: PubMed 14630794; PubMed 22566169; PubMed 28916543; PubMed 11992256; PubMed 20472245.